The following is an entry in ClinVar:

ClinVar aggregate classification (germline): Likely pathogenic (1 of 4 stars; one submission).

Submission:

Labcorp Genetics (formerly Invitae), Labcorp
Classification: Likely pathogenic. Last evaluated: 2025-04-27. Review status: criteria provided, single submitter. Criteria: Invitae Variant Classification Sherloc (09022015). Collection method: clinical testing. Allele origin: germline.
Comment: This sequence change affects a donor splice site in intron 8 of the SPTA1 gene. It is expected to disrupt RNA splicing. Variants that disrupt the donor or acceptor splice site typically lead to a loss of protein function (PMID: 16199547), and loss-of-function variants in SPTA1 are known to be pathogenic (PMID: 9192783, 18815189, 31333484, 31723846, 32266426). This variant is not present in population databases (gnomAD no frequency). This variant has not been reported in the literature in individuals affected with SPTA1-related conditions. Algorithms developed to predict the effect of sequence changes on RNA splicing suggest that this variant may disrupt the consensus splice site. In summary, the currently available evidence indicates that the variant is pathogenic, but additional data are needed to prove that conclusively. Therefore, this variant has been classified as Likely Pathogenic.

Literature cited by the submitters: PubMed 16199547; PubMed 9192783; PubMed 18815189; PubMed 31333484; PubMed 31723846; PubMed 32266426.

NM_003126.4(SPTA1):c.1112+1G>A

Gene: SPTA1 (spectrin alpha, erythrocytic 1; minus strand). Cytogenetic location: 1q23.1.
Variant type: single nucleotide variant.
Coding change: c.1112+1G>A on transcript NM_003126.4 (MANE Select); the canonical splice donor site of the intron after coding-DNA position 1112, G replaced by A.
Molecular consequence: splice donor variant.
Genome position (GRCh38, 1-based): chr1:158,676,140, C>T on the plus strand (G>A on the coding strand, the complement: SPTA1 is on the minus strand). VCF-style: chr1-158676140-C-T. GRCh37 (hg19) VCF-style: chr1-158645930-C-T.
Identifiers: ClinVar variation 4718492 (VCV004718492.1).